The following is an entry in ClinVar:

NM_002890.3(RASA1):c.319G>C (p.Val107Leu)

Gene: RASA1 (RAS p21 protein activator 1; plus strand). Cytogenetic location: 5q14.3.
Variant type: single nucleotide variant.
Coding change: c.319G>C on transcript NM_002890.3 (MANE Select); coding-DNA position 319, G replaced by C.
Protein change: p.Val107Leu; replaces valine 107 with leucine.
Molecular consequence: missense variant.
Genome position (GRCh38, 1-based): chr5:87,268,770, G>C. VCF-style: chr5-87268770-G-C. GRCh37 (hg19) VCF-style: chr5-86564587-G-C.
Other names: short protein forms V107L.
Identifiers: ClinVar variation 533448 (VCV000533448.10), dbSNP rs138308013, ClinGen allele CA3335393.
Genomic context (GRCh38, chr5:87,268,770, plus strand): 5'-ACAGGGGGAGGTACTGCTGCTGGCGTAGCTGGTGCTGCTGCTGGCGTGGCCGGTGCTGCT[G>C]TTGCTGGACCTAGTGGAGACATGGCTCTCACCAAACTGCCCACTTCGTTGCTTGCTGAGA-3'
Protein context (NP_002881.1, residues 97-117): GAAAGVAGAA[Val107Leu]AGPSGDMALT

ClinVar aggregate classification (germline): Conflicting classifications of pathogenicity. Review status: criteria provided, conflicting classifications (1 of 4 stars). 2 submissions from 2 submitters: Uncertain significance (1); Likely benign (1). Last evaluated 2026-01-27.

Conditions:
Capillary malformation-arteriovenous malformation syndrome. Also called: Capillary malformation-arteriovenous malformation. Identifiers: Orphanet 137667, MedGen C1842180, MONDO:0012016.
Cardiovascular phenotype. Identifiers: MedGen CN230736.

Allele frequency attached by ClinVar (database versions not stated): gnomAD exomes 0.00001 and 0.00004; ExAC 0.00006; gnomAD 0.00008; TOPMed 0.00014; 1000 Genomes Project 30x 0.00016; 1000 Genomes Project 0.00020; ESP Exome Variant Server 0.00023.
gnomAD v4.1: 17 of 1,613,980 alleles (0.0011%); highest among the groups gnomAD compares: African/African-American, 0.021%; no homozygotes.

Submissions (2):

Labcorp Genetics (formerly Invitae), Labcorp
Classification: Uncertain significance for Capillary malformation-arteriovenous malformation syndrome. Last evaluated: 2026-01-27. Review status: criteria provided, single submitter. Criteria: Invitae Variant Classification Sherloc (09022015). Collection method: clinical testing. Allele origin: germline.
Comment: This sequence change replaces valine, which is neutral and non-polar, with leucine, which is neutral and non-polar, at codon 107 of the RASA1 protein (p.Val107Leu). This variant is present in population databases (rs138308013, gnomAD 0.06%). This variant has not been reported in the literature in individuals affected with RASA1-related conditions. ClinVar contains an entry for this variant (Variation ID: 533448). An algorithm developed to predict the effect of missense changes on protein structure and function (PolyPhen-2) suggests that this variant is likely to be tolerated. In summary, the available evidence is currently insufficient to determine the role of this variant in disease. Therefore, it has been classified as a Variant of Uncertain Significance.

Ambry Genetics
Classification: Likely benign for Cardiovascular phenotype. Last evaluated: 2021-09-26. Review status: criteria provided, single submitter. Criteria: Ambry Variant Classification Scheme 2023. Collection method: clinical testing. Allele origin: germline.